The following is an entry in ClinVar:

NM_001252024.2(TRPM1):c.3097_3104del (p.Tyr1033fs)

Genes: TRPM1 (transient receptor potential cation channel subfamily M member 1; minus strand), TRPM1-AS1 (TRPM1 antisense RNA 1; plus strand). Cytogenetic location: 15q13.3.
Variant type: Deletion.
Coding change: c.3097_3104del on transcript NM_001252024.2 (MANE Select); coding-DNA positions 3097 to 3104, 8 bases deleted (TATGGAGA; older notation c.3097_3104delTATGGAGA).
Protein change: p.Tyr1033fs; shifts the reading frame from tyrosine 1033.
Molecular consequence: frameshift variant.
Genome position (GRCh38, 1-based): chr15:31,031,006-31,031,013, TCTCCATA deleted on the plus strand (TATGGAGA on the coding strand, the reverse complement: TRPM1 is on the minus strand). VCF-style (leftmost placement, unchanged base first): chr15-31031005-CTCTCCATA-C. GRCh37 (hg19) VCF-style: chr15-31323208-CTCTCCATA-C.
Other names: c.3148_3155del, p.Tyr1050fs (NM_001252020.2); c.3031_3038del, p.Tyr1011fs (NM_002420.6); short protein forms Y1050fs, Y1033fs, Y1011fs.
Identifiers: ClinVar variation 2797375 (VCV002797375.3), dbSNP rs2504054902, ClinGen allele CA2739279484.

ClinVar aggregate classification (germline): Pathogenic (1 of 4 stars; one submission).

Submission:

Labcorp Genetics (formerly Invitae), Labcorp
Classification: Pathogenic. Last evaluated: 2023-07-10. Review status: criteria provided, single submitter. Criteria: Invitae Variant Classification Sherloc (09022015). Collection method: clinical testing. Allele origin: germline.
Comment: This sequence change creates a premature translational stop signal (p.Tyr1011Glyfs*14) in the TRPM1 gene. It is expected to result in an absent or disrupted protein product. Loss-of-function variants in TRPM1 are known to be pathogenic (PMID: 19896113, 19966281, 20300565). This variant is not present in population databases (gnomAD no frequency). This variant has not been reported in the literature in individuals affected with TRPM1-related conditions. Algorithms developed to predict the effect of sequence changes on RNA splicing suggest that this variant may disrupt the consensus splice site. For these reasons, this variant has been classified as Pathogenic.

Literature cited by the submitters: PubMed 19896113; PubMed 19966281; PubMed 20300565.